The following is an entry in ClinVar:

ClinVar aggregate classification (germline): Uncertain significance (1 of 4 stars; one submission).

Conditions:
Hereditary breast ovarian cancer syndrome. Also called: Hereditary breast and ovarian cancer syndrome; Hereditary breast and/or ovarian cancer syndrome; BRCA1- and BRCA2-Associated Hereditary Breast and Ovarian Cancer; Hereditary breast and ovarian cancer; Breast and ovarian cancer; Hereditary breast and ovarian cancer syndrome (HBOC). Identifiers: Orphanet 145, MedGen C0677776, MeSH D061325, MONDO:0003582. Disease mechanism: loss of function.

Submission:

Labcorp Genetics (formerly Invitae), Labcorp
Classification: Uncertain significance for Hereditary breast ovarian cancer syndrome. Last evaluated: 2023-09-26. Review status: criteria provided, single submitter. Criteria: Invitae Variant Classification Sherloc (09022015). Collection method: clinical testing. Allele origin: germline.
Comment: This sequence change replaces aspartic acid, which is acidic and polar, with glutamic acid, which is acidic and polar, at codon 1469 of the BRCA2 protein (p.Asp1469Glu). This variant is not present in population databases (gnomAD no frequency). This variant has not been reported in the literature in individuals affected with BRCA2-related conditions. Advanced modeling of protein sequence and biophysical properties (such as structural, functional, and spatial information, amino acid conservation, physicochemical variation, residue mobility, and thermodynamic stability) performed at Invitae indicates that this missense variant is not expected to disrupt BRCA2 protein function. In summary, the available evidence is currently insufficient to determine the role of this variant in disease. Therefore, it has been classified as a Variant of Uncertain Significance.

NM_000059.4(BRCA2):c.4407C>G (p.Asp1469Glu)

Gene: BRCA2 (BRCA2 DNA repair associated; plus strand). Cytogenetic location: 13q13.1.
Variant type: single nucleotide variant.
Coding change: c.4407C>G on transcript NM_000059.4 (MANE Select); coding-DNA position 4407, C replaced by G.
Protein change: p.Asp1469Glu; replaces aspartic acid 1469 with glutamic acid.
Molecular consequence: missense variant. On other transcripts: non-coding transcript variant (1), intron variant (2).
Genome position (GRCh38, 1-based): chr13:32,338,762, C>G. VCF-style: chr13-32338762-C-G. GRCh37 (hg19) VCF-style: chr13-32912899-C-G.
Other names: c.4407C>G, p.Asp1469Glu (NM_001406719.1, NM_001406720.1); c.1909+5375C>G (NM_001406721.1); c.425-5796C>G (NM_001406722.1); short protein forms D1469E.
Identifiers: ClinVar variation 2763668 (VCV002763668.3), dbSNP rs2137505986, ClinGen allele CA387781164.
Genomic context (GRCh38, chr13:32,338,762, plus strand): 5'-CTTTGATCAGAAACCAGAAGAATTGCATAACTTTTCCTTAAATTCTGAATTACATTCTGA[C>G]ATAAGAAAGAACAAAATGGACATTCTAAGTTATGAGGAAACAGACATAGTTAAACACAAA-3'
Protein context (NP_000050.3, residues 1459-1479): NFSLNSELHS[Asp1469Glu]IRKNKMDILS